The following is an entry in ClinVar:

ClinVar aggregate classification (germline): Pathogenic (1 of 4 stars; one submission).

Conditions:
Aniridia 1 (AN1). Identifiers: Orphanet 250923, MedGen C0344542, MONDO:0024507, OMIM 106210.
Irido-corneo-trabecular dysgenesis (ASGD5). Also called: ANTERIOR SEGMENT DYSGENESIS 5. Identifiers: Orphanet 708, MedGen C0344559, MONDO:0011414, OMIM 604229, HP:0000659.

Submission:

Labcorp Genetics (formerly Invitae), Labcorp
Classification: Pathogenic for Aniridia 1; Irido-corneo-trabecular dysgenesis. Last evaluated: 2022-03-28. Review status: criteria provided, single submitter. Criteria: Invitae Variant Classification Sherloc (09022015). Collection method: clinical testing. Allele origin: germline.
Comment: For these reasons, this variant has been classified as Pathogenic. This premature translational stop signal has been observed in individual(s) with aniridia (PMID: 21850189, 32360764). This variant is not present in population databases (gnomAD no frequency). This sequence change creates a premature translational stop signal (p.Tyr354*) in the PAX6 gene. It is expected to result in an absent or disrupted protein product. Loss-of-function variants in PAX6 are known to be pathogenic (PMID: 12634864).

Literature cited by the submitters: PubMed 21850189; PubMed 32360764; PubMed 12634864.

NM_001368894.2(PAX6):c.1103dup (p.Tyr368Ter)

Gene: PAX6 (paired box 6; minus strand). Cytogenetic location: 11p13.
Variant type: Duplication.
Coding change: c.1103dup on transcript NM_001368894.2 (MANE Select); coding-DNA position 1103, one base duplicated (A; older notation c.1103dupA).
Protein change: p.Tyr368Ter; replaces tyrosine 368 with a stop codon.
Molecular consequence: nonsense. On other transcripts: non-coding transcript variant (1), intron variant (9).
Genome position (GRCh38, 1-based): chr11:31,790,832, T duplicated on the plus strand (A on the coding strand, the reverse complement: PAX6 is on the minus strand). VCF-style (leftmost placement, unchanged base first): chr11-31790831-G-GT. GRCh37 (hg19) VCF-style: chr11-31812379-G-GT.
Other names: c.1061dup, p.Tyr354Ter (NM_000280.6, NM_001127612.3, NM_001258464.2 and 6 more transcripts); c.1103dup, p.Tyr368Ter (NM_001258462.3, NM_001258463.2, NM_001310158.2 and 3 more transcripts); c.653dup, p.Tyr218Ter (NM_001310160.2, NM_001310161.3, NM_001368899.2 and 10 more transcripts); c.1304dup, p.Tyr435Ter (NM_001368910.2); c.1178dup, p.Tyr393Ter (NM_001368918.2, NM_001368919.2); c.1136dup, p.Tyr379Ter (NM_001368920.2); c.902dup, p.Tyr301Ter (NM_001368922.2, NM_001368923.2, NM_001368924.2 and 3 more transcripts); c.860dup, p.Tyr287Ter (NM_001368928.2); and 6 more; short protein forms Y301*, Y368*, Y435*, Y153*, Y218*, Y287*, Y354*, Y379*.
Identifiers: ClinVar variation 2118874 (VCV002118874.4), dbSNP rs2494739987, ClinGen allele CA2580082916.